The following is an entry in ClinVar:

ClinVar aggregate classification (germline): Uncertain significance (1 of 4 stars; one submission).

Conditions:
Alpha thalassemia-X-linked intellectual disability syndrome (ATRX). Also called: ALPHA-THALASSEMIA/MENTAL RETARDATION SYNDROME, X-LINKED; ATR, NONDELETION TYPE; ATR-X syndrome; Alpha thalassemia mental retardation syndrome, nondeletion type, X-linked; XLMR hypotonic face syndrome; X-linked alpha-thalassemia-mental retardation syndrome. Identifiers: Orphanet 847, MedGen C1845055, MONDO:0010519, OMIM 301040.

Submission:

Labcorp Genetics (formerly Invitae), Labcorp
Classification: Uncertain significance for Alpha thalassemia-X-linked intellectual disability syndrome. Last evaluated: 2024-06-04. Review status: criteria provided, single submitter. Criteria: Invitae Variant Classification Sherloc (09022015). Collection method: clinical testing. Allele origin: germline.
Comment: This sequence change replaces serine, which is neutral and polar, with asparagine, which is neutral and polar, at codon 1375 of the ATRX protein (p.Ser1375Asn). This variant is not present in population databases (gnomAD no frequency). This variant has not been reported in the literature in individuals affected with ATRX-related conditions. Advanced modeling of protein sequence and biophysical properties (such as structural, functional, and spatial information, amino acid conservation, physicochemical variation, residue mobility, and thermodynamic stability) performed at Invitae indicates that this missense variant is not expected to disrupt ATRX protein function with a negative predictive value of 95%. In summary, the available evidence is currently insufficient to determine the role of this variant in disease. Therefore, it has been classified as a Variant of Uncertain Significance.

NM_000489.6(ATRX):c.4124G>A (p.Ser1375Asn)

Gene: ATRX (ATRX chromatin remodeler; minus strand). Cytogenetic location: Xq21.1.
Variant type: single nucleotide variant.
Coding change: c.4124G>A on transcript NM_000489.6 (MANE Select); coding-DNA position 4124, G replaced by A.
Protein change: p.Ser1375Asn; replaces serine 1375 with asparagine.
Molecular consequence: missense variant.
Genome position (GRCh38, 1-based): chrX:77,656,650, C>T on the plus strand (G>A on the coding strand, the complement: ATRX is on the minus strand). VCF-style: chrX-77656650-C-T. GRCh37 (hg19) VCF-style: chrX-76912140-C-T.
Other names: c.4010G>A, p.Ser1337Asn (NM_138270.5); short protein forms S1337N, S1375N.
Identifiers: ClinVar variation 2919610 (VCV002919610.3), dbSNP rs1459038245, ClinGen allele CA413710804.